The following is an entry in ClinVar:

ClinVar aggregate classification (germline): Pathogenic/Likely pathogenic. Review status: criteria provided, multiple submitters, no conflicts (2 of 4 stars). 3 submissions from 3 submitters: Pathogenic (1); Likely pathogenic (2). Last evaluated 2024-08-10.

Conditions:
Primary ciliary dyskinesia. Also called: Ciliary dyskinesia. Identifiers: Orphanet 244, MedGen C0008780, MONDO:0016575, HP:0012265.
Primary ciliary dyskinesia 3. Identifiers: Orphanet 244, MedGen C1837618, MONDO:0012085, OMIM 608644.

Allele frequency attached by ClinVar (database versions not stated): gnomAD exomes below 0.00001.
gnomAD v4.1: 1 of 1,614,026 alleles (0.000062%); highest among the groups gnomAD compares: Non-Finnish European, 0.000085%; no homozygotes.

Submissions (3):

Natera, Inc.
Classification: Likely pathogenic for Primary ciliary dyskinesia. Last evaluated: 2024-08-10. Review status: criteria provided, single submitter. Criteria: Natera Variant Classification Schema (03/2026). Collection method: clinical testing. Allele origin: germline.
Comment: The c.10996A>T variant in DNAH5 is a nonsense variant predicted to introduce a stop codon at amino acid 3666. This variant is expected to result in nonsense mediated decay, truncation, or a dysfunctional protein product. This variant is rare in the general population with a frequency below the threshold expected for the associated phenotype(s). Given the available evidence, this variant is classified as Likely Pathogenic.

Fulgent Genetics
Classification: Likely pathogenic for Primary ciliary dyskinesia 3. Last evaluated: 2024-03-26. Review status: criteria provided, single submitter. Criteria: ACMG Guidelines, 2015. Collection method: clinical testing. Allele origin: germline.

Labcorp Genetics (formerly Invitae), Labcorp
Classification: Pathogenic for Primary ciliary dyskinesia. Last evaluated: 2023-02-17. Review status: criteria provided, single submitter. Criteria: Invitae Variant Classification Sherloc (09022015). Collection method: clinical testing. Allele origin: germline.
Comment: This sequence change creates a premature translational stop signal (p.Arg3666*) in the DNAH5 gene. It is expected to result in an absent or disrupted protein product. Loss-of-function variants in DNAH5 are known to be pathogenic (PMID: 11788826, 16627867). This variant is not present in population databases (gnomAD no frequency). This variant has not been reported in the literature in individuals affected with DNAH5-related conditions. For these reasons, this variant has been classified as Pathogenic.

Literature cited by the submitters: PubMed 11788826 (cited by Labcorp Genetics (formerly Invitae), Labcorp); PubMed 16627867 (cited by Labcorp Genetics (formerly Invitae), Labcorp).

NM_001369.3(DNAH5):c.10996A>T (p.Arg3666Ter)

Gene: DNAH5 (dynein axonemal heavy chain 5; minus strand). Cytogenetic location: 5p15.2.
Variant type: single nucleotide variant.
Coding change: c.10996A>T on transcript NM_001369.3 (MANE Select); coding-DNA position 10996, A replaced by T.
Protein change: p.Arg3666Ter; replaces arginine 3666 with a stop codon.
Molecular consequence: nonsense.
Genome position (GRCh38, 1-based): chr5:13,752,166, T>A on the plus strand (A>T on the coding strand, the complement: DNAH5 is on the minus strand). VCF-style: chr5-13752166-T-A. GRCh37 (hg19) VCF-style: chr5-13752275-T-A.
Other names: c.10996A>T (NM_001369.2); short protein forms R3666*.
Identifiers: ClinVar variation 2872583 (VCV002872583.5), dbSNP rs2546611536, ClinGen allele CA359189773.